The following is an entry in ClinVar:

NM_014324.6(AMACR):c.407T>C (p.Ile136Thr)

Genes: C1QTNF3-AMACR (C1QTNF3-AMACR readthrough (NMD candidate); minus strand), AMACR (alpha-methylacyl-CoA racemase; minus strand). Cytogenetic location: 5p13.2.
Variant type: single nucleotide variant.
Coding change: c.407T>C on transcript NM_014324.6 (MANE Select); coding-DNA position 407, T replaced by C.
Protein change: p.Ile136Thr; replaces isoleucine 136 with threonine.
Molecular consequence: missense variant. On other transcripts: intron variant (1).
Genome position (GRCh38, 1-based): chr5:34,004,719, A>G on the plus strand (T>C on the coding strand, the complement: AMACR is on the minus strand). VCF-style: chr5-34004719-A-G. GRCh37 (hg19) VCF-style: chr5-34004824-A-G.
Other names: c.407T>C, p.Ile136Thr (NM_001167595.2); c.391+1037T>C (NM_203382.3); short protein forms I136T.
Identifiers: ClinVar variation 1372190 (VCV001372190.6), dbSNP rs1753921208, ClinGen allele CA359383463.

ClinVar aggregate classification (germline): Uncertain significance (1 of 4 stars; one submission).

Conditions:
Alpha-methylacyl-CoA racemase deficiency (AMACRD). Also called: AMACR deficiency. Identifiers: Orphanet 79095, MedGen C3280428, MONDO:0013681, OMIM 614307. Disease mechanism: loss of function.

Allele frequency attached by ClinVar (database versions not stated): gnomAD 0.00001.

Submission:

Labcorp Genetics (formerly Invitae), Labcorp
Classification: Uncertain significance for Alpha-methylacyl-CoA racemase deficiency. Last evaluated: 2021-08-03. Review status: criteria provided, single submitter. Criteria: Invitae Variant Classification Sherloc (09022015). Collection method: clinical testing. Allele origin: germline.
Comment: In summary, the available evidence is currently insufficient to determine the role of this variant in disease. Therefore, it has been classified as a Variant of Uncertain Significance. Algorithms developed to predict the effect of missense changes on protein structure and function are either unavailable or do not agree on the potential impact of this missense change (SIFT: "Deleterious"; PolyPhen-2: "Benign"; Align-GVGD: "Class C35"). This variant has not been reported in the literature in individuals affected with AMACR-related conditions. This variant is not present in population databases (ExAC no frequency). This sequence change replaces isoleucine with threonine at codon 136 of the AMACR protein (p.Ile136Thr). The isoleucine residue is moderately conserved and there is a moderate physicochemical difference between isoleucine and threonine.